The following is an entry in ClinVar:

ClinVar aggregate classification (germline): Uncertain significance. Review status: criteria provided, multiple submitters, no conflicts (2 of 4 stars). 2 submissions from 2 submitters: Uncertain significance (2). Last evaluated 2022-04-29.

Conditions:
Wiskott-Aldrich syndrome 2 (WAS2). Also called: WIPF1 DEFICIENCY. Identifiers: Orphanet 906, MedGen C3281001, MONDO:0013779, OMIM 614493.

Allele frequency attached by ClinVar (database versions not stated): gnomAD exomes below 0.00001; TOPMed below 0.00001; ExAC 0.00001.
gnomAD v4.1: 1 of 1,611,480 alleles (0.000062%); highest among the groups gnomAD compares: Admixed American, 0.0017%; no homozygotes.

Submissions (2):

Center for Genomics, Ann and Robert H. Lurie Children's Hospital of Chicago
Classification: Uncertain significance for Wiskott-Aldrich syndrome 2. Last evaluated: 2022-04-29. Review status: criteria provided, single submitter. Criteria: ACMG Guidelines, 2015. Collection method: clinical testing. Allele origin: germline.
Comment: This variant has not been reported in the literature but is present in the Genome Aggregation Database (Highest MAF: 0.03% [1/34380]) and in ClinVar (Variation ID:1493985). Evolutionary conservation and computational predictive tools suggest that this variant may not impact the protein. In summary, data on this variant is insufficient for disease classification. Therefore, the clinical significance of this variant is uncertain.

Labcorp Genetics (formerly Invitae), Labcorp
Classification: Uncertain significance for Wiskott-Aldrich syndrome 2. Last evaluated: 2021-04-21. Review status: criteria provided, single submitter. Criteria: Invitae Variant Classification Sherloc (09022015). Collection method: clinical testing. Allele origin: germline.
Comment: In summary, the available evidence is currently insufficient to determine the role of this variant in disease. Therefore, it has been classified as a Variant of Uncertain Significance. Algorithms developed to predict the effect of missense changes on protein structure and function are either unavailable or do not agree on the potential impact of this missense change (SIFT: "Not Available"; PolyPhen-2: "Probably Damaging"; Align-GVGD: "Not Available"). This variant has not been reported in the literature in individuals with WIPF1-related conditions. This variant is present in population databases (rs770870596, ExAC no frequency). This sequence change replaces proline with leucine at codon 378 of the WIPF1 protein (p.Pro378Leu). The proline residue is highly conserved and there is a moderate physicochemical difference between proline and leucine.

NM_001375834.1(WIPF1):c.1133C>T (p.Pro378Leu)

Gene: WIPF1 (WAS/WASL interacting protein family member 1; minus strand). Cytogenetic location: 2q31.1.
Variant type: single nucleotide variant.
Coding change: c.1133C>T on transcript NM_001375834.1 (MANE Select); coding-DNA position 1133, C replaced by T.
Protein change: p.Pro378Leu; replaces proline 378 with leucine.
Molecular consequence: missense variant.
Genome position (GRCh38, 1-based): chr2:174,568,070, G>A on the plus strand (C>T on the coding strand, the complement: WIPF1 is on the minus strand). VCF-style: chr2-174568070-G-A. GRCh37 (hg19) VCF-style: chr2-175432798-G-A.
Other names: c.1133C>T, p.Pro378Leu (NM_001077269.1, NM_001375832.1, NM_001375833.1 and 2 more transcripts); c.755C>T, p.Pro252Leu (NM_001375839.1); short protein forms P252L, P378L.
Identifiers: ClinVar variation 1493985 (VCV001493985.7), dbSNP rs770870596, ClinGen allele CA1973961.